The following is an entry in ClinVar:

ClinVar aggregate classification (germline): Uncertain significance. Review status: criteria provided, single submitter (1 of 4 stars). 2 submissions from 2 submitters: Uncertain significance (1). 1 of the submissions does not count toward it. Last evaluated 2022-02-04.

Conditions:
Meckel-Gruber syndrome. Also called: Dysencephalia splachnocystica; DYSENCEPHALIA SPLANCHNOCYSTICA; GRUBER SYNDROME. Identifiers: Orphanet 564, MedGen C0265215, MONDO:0018921.
Nephronophthisis. Also called: Juvenile Nephronophthisis. Identifiers: Orphanet 655, MedGen C0687120, MONDO:0019005, HP:0000090.
Joubert syndrome. Also called: Familial aplasia of the vermis; CEREBELLOPARENCHYMAL DISORDER IV; JOUBERT-BOLTSHAUSER SYNDROME. Identifiers: Orphanet 475, MedGen C5979921, MONDO:0018772.
Leber congenital amaurosis (LCA). Also called: Leber's amaurosis. Identifiers: Orphanet 65, MedGen C0339527, MeSH D057130, MONDO:0018998.

Allele frequency attached by ClinVar (database versions not stated): gnomAD exomes below 0.00001.
gnomAD v4.1: 4 of 1,555,694 alleles (0.00026%); highest among the groups gnomAD compares: Non-Finnish European, 0.00035%; no homozygotes.

Submissions (2):

Labcorp Genetics (formerly Invitae), Labcorp
Classification: Uncertain significance for Joubert syndrome; Meckel-Gruber syndrome; Nephronophthisis. Last evaluated: 2022-02-04. Review status: criteria provided, single submitter. Criteria: Invitae Variant Classification Sherloc (09022015). Collection method: clinical testing. Allele origin: germline.
Comment: This sequence change replaces isoleucine, which is neutral and non-polar, with phenylalanine, which is neutral and non-polar, at codon 1161 of the CEP290 protein (p.Ile1161Phe). This variant is not present in population databases (gnomAD no frequency). This variant has not been reported in the literature in individuals affected with CEP290-related conditions. ClinVar contains an entry for this variant (Variation ID: 934883). Algorithms developed to predict the effect of missense changes on protein structure and function are either unavailable or do not agree on the potential impact of this missense change (SIFT: "Deleterious"; PolyPhen-2: "Possibly Damaging"; Align-GVGD: "Class C0"). In summary, the available evidence is currently insufficient to determine the role of this variant in disease. Therefore, it has been classified as a Variant of Uncertain Significance.

Natera, Inc.
Classification: Uncertain significance for Leber congenital amaurosis. Last evaluated: 2021-03-12. Review status: no assertion criteria provided. Collection method: clinical testing. Allele origin: germline. Not counted in ClinVar's aggregate classification.

NM_025114.4(CEP290):c.3481A>T (p.Ile1161Phe)

Gene: CEP290 (centrosomal protein 290; minus strand). Cytogenetic location: 12q21.32.
Variant type: single nucleotide variant.
Coding change: c.3481A>T on transcript NM_025114.4 (MANE Select); coding-DNA position 3481, A replaced by T.
Protein change: p.Ile1161Phe; replaces isoleucine 1161 with phenylalanine.
Molecular consequence: missense variant.
Genome position (GRCh38, 1-based): chr12:88,090,820, T>A on the plus strand (A>T on the coding strand, the complement: CEP290 is on the minus strand). VCF-style: chr12-88090820-T-A. GRCh37 (hg19) VCF-style: chr12-88484597-T-A.
Other names: short protein forms I1161F.
Identifiers: ClinVar variation 934883 (VCV000934883.8), dbSNP rs2036979298, ClinGen allele CA386002233.